The following is an entry in ClinVar:

NM_052989.3(IFT122):c.158A>G (p.Lys53Arg)

Gene: IFT122 (intraflagellar transport 122; plus strand). Cytogenetic location: 3q21.3.
Variant type: single nucleotide variant.
Coding change: c.158A>G on transcript NM_052989.3 (MANE Select); coding-DNA position 158, A replaced by G.
Protein change: p.Lys53Arg; replaces lysine 53 with arginine.
Molecular consequence: missense variant. On other transcripts: 5 prime UTR variant (2).
Genome position (GRCh38, 1-based): chr3:129,451,963, A>G. VCF-style: chr3-129451963-A-G. GRCh37 (hg19) VCF-style: chr3-129170806-A-G.
Other names: c.158A>G, p.Lys53Arg (NM_001410811.1, NM_001410813.1, NM_001410815.1 and 8 more transcripts); c.-444A>G (NM_001280545.2); c.-214A>G (NM_001280546.2); short protein forms K53R.
Identifiers: ClinVar variation 3859603 (VCV003859603.2).

ClinVar aggregate classification (germline): Uncertain significance. Review status: criteria provided, multiple submitters, no conflicts (2 of 4 stars). 2 submissions from 2 submitters: Uncertain significance (2). Last evaluated 2025-06-12.

Conditions:
Inborn genetic diseases. Identifiers: MedGen C0950123, MeSH D030342.
Cranioectodermal dysplasia 1 (CED1). Also called: LEVIN SYNDROME I. Identifiers: Orphanet 1515, MedGen C0432235, MONDO:0021093, OMIM 218330.

gnomAD v4.1: 25 of 1,613,964 alleles (0.0015%); highest among the groups gnomAD compares: Admixed American, 0.0083%; no homozygotes.

Submissions (2):

Labcorp Genetics (formerly Invitae), Labcorp
Classification: Uncertain significance for Cranioectodermal dysplasia 1. Last evaluated: 2025-06-12. Review status: criteria provided, single submitter. Criteria: Invitae Variant Classification Sherloc (09022015). Collection method: clinical testing. Allele origin: germline.
Comment: This sequence change replaces lysine, which is basic and polar, with arginine, which is basic and polar, at codon 53 of the IFT122 protein (p.Lys53Arg). This variant is present in population databases (rs763644525, gnomAD 0.009%). This variant has not been reported in the literature in individuals affected with IFT122-related conditions. ClinVar contains an entry for this variant (Variation ID: 3859603). Invitae Evidence Modeling of protein sequence and biophysical properties (such as structural, functional, and spatial information, amino acid conservation, physicochemical variation, residue mobility, and thermodynamic stability) indicates that this missense variant is not expected to disrupt IFT122 protein function with a negative predictive value of 80%. In summary, the available evidence is currently insufficient to determine the role of this variant in disease. Therefore, it has been classified as a Variant of Uncertain Significance.

Ambry Genetics
Classification: Uncertain significance for Inborn genetic diseases. Last evaluated: 2024-12-16. Review status: criteria provided, single submitter. Criteria: Ambry Variant Classification Scheme 2023. Collection method: clinical testing. Allele origin: germline.